The following is an entry in ClinVar:

ClinVar aggregate classification (germline): Uncertain significance (1 of 4 stars; one submission).

Conditions:
Cardiovascular phenotype. Identifiers: MedGen CN230736.

Submission:

Ambry Genetics
Classification: Uncertain significance for Cardiovascular phenotype. Last evaluated: 2026-06-22. Review status: criteria provided, single submitter. Criteria: Ambry Variant Classification Scheme 2023. Collection method: clinical testing. Allele origin: germline.
Comment: The p.L106V variant (also known as c.316C>G), located in coding exon 3 of the APOA1 gene, results from a C to G substitution at nucleotide position 316. The leucine at codon 106 is replaced by valine, an amino acid with highly similar properties. This amino acid position is conserved. In addition, this alteration is predicted to be tolerated by in silico analysis. Based on the available evidence, the clinical significance of this variant remains unclear.

NM_000039.3(APOA1):c.316C>G (p.Leu106Val)

Genes: APOA1 (apolipoprotein A1; minus strand), APOA1-AS (APOA1 antisense RNA; plus strand). Cytogenetic location: 11q23.3.
Variant type: single nucleotide variant.
Coding change: c.316C>G on transcript NM_000039.3 (MANE Select); coding-DNA position 316, C replaced by G.
Protein change: p.Leu106Val; replaces leucine 106 with valine.
Molecular consequence: missense variant. On other transcripts: 5 prime UTR variant (3).
Genome position (GRCh38, 1-based): chr11:116,836,296, G>C on the plus strand (C>G on the coding strand, the complement: APOA1 is on the minus strand). VCF-style: chr11-116836296-G-C. GRCh37 (hg19) VCF-style: chr11-116707012-G-C.
Other names: c.316C>G, p.Leu106Val (NM_001318018.2, NM_001425090.1, NM_001425093.1 and 1 more transcripts); c.-12C>G (NM_001318021.2, NM_001425091.1, NM_001425092.1); short protein forms L106V.
Identifiers: ClinVar variation 5026396 (VCV005026396.1).